The following is an entry in ClinVar:

ClinVar aggregate classification (germline): Likely benign (0 of 4 stars; one submission).

Conditions:
LRRC56-related disorder. Also called: LRRC56-related condition.

Submission:

PreventionGenetics, part of Exact Sciences
Classification: Likely benign for LRRC56-related condition. Last evaluated: 2023-07-31. Review status: no assertion criteria provided. Collection method: clinical testing. Allele origin: germline.
Comment: This variant is classified as likely benign based on ACMG/AMP sequence variant interpretation guidelines (Richards et al. 2015 PMID: 25741868, with internal and published modifications).

NM_198075.4(LRRC56):c.1410A>C (p.Thr470=)

Gene: LRRC56 (leucine rich repeat containing 56; plus strand). Cytogenetic location: 11p15.5.
Variant type: single nucleotide variant.
Coding change: c.1410A>C on transcript NM_198075.4 (MANE Select); coding-DNA position 1410, A replaced by C.
Protein change: p.Thr470=; no amino-acid change (threonine 470 retained).
Molecular consequence: synonymous variant.
Genome position (GRCh38, 1-based): chr11:554,057, A>C. VCF-style: chr11-554057-A-C. GRCh37 (hg19) VCF-style: chr11-554057-A-C.
Identifiers: ClinVar variation 3044057 (VCV003044057.2), dbSNP rs2539946240, ClinGen allele CA472429695.